The following is an entry in ClinVar:

ClinVar aggregate classification (germline): Uncertain significance (1 of 4 stars; one submission).

Allele frequency attached by ClinVar (database versions not stated): gnomAD exomes below 0.00001; TOPMed below 0.00001.
gnomAD v4.1: 6 of 1,614,180 alleles (0.00037%); highest among the groups gnomAD compares: African/African-American, 0.0027%; no homozygotes.

Submission:

GeneDx
Classification: Uncertain significance. Last evaluated: 2021-04-28. Review status: criteria provided, single submitter. Criteria: GeneDx Variant Classification Process June 2021. Collection method: clinical testing. Allele origin: germline. Affected: yes.
Comment: Not observed in large population cohorts (Lek et al., 2016); In silico analysis supports that this missense variant does not alter protein structure/function; Has not been previously published as pathogenic or benign to our knowledge

NM_012414.4(RAB3GAP2):c.3031G>A (p.Val1011Ile)

Gene: RAB3GAP2 (RAB3 GTPase activating non-catalytic protein subunit 2; minus strand). Cytogenetic location: 1q41.
Variant type: single nucleotide variant.
Coding change: c.3031G>A on transcript NM_012414.4 (MANE Select); coding-DNA position 3031, G replaced by A.
Protein change: p.Val1011Ile; replaces valine 1011 with isoleucine.
Molecular consequence: missense variant.
Genome position (GRCh38, 1-based): chr1:220,167,349, C>T on the plus strand (G>A on the coding strand, the complement: RAB3GAP2 is on the minus strand). VCF-style: chr1-220167349-C-T. GRCh37 (hg19) VCF-style: chr1-220340691-C-T.
Other names: short protein forms V1011I.
Identifiers: ClinVar variation 1302344 (VCV001302344.2), dbSNP rs1658088143, ClinGen allele CA344635106.